The following is an entry in ClinVar:

NM_001005242.3(PKP2):c.1151_1152del (p.Lys384fs)

Gene: PKP2 (plakophilin 2; minus strand). Cytogenetic location: 12p11.21.
Variant type: Deletion.
Coding change: c.1151_1152del on transcript NM_001005242.3 (MANE Select); coding-DNA positions 1151 to 1152, 2 bases deleted (AA; older notation c.1151_1152delAA).
Protein change: p.Lys384fs; shifts the reading frame from lysine 384.
Molecular consequence: frameshift variant.
Genome position (GRCh38, 1-based): chr12:32,868,945-32,868,946, TT deleted on the plus strand (AA on the coding strand, the reverse complement: PKP2 is on the minus strand); deleting any 2 consecutive bases within chr12:32,868,945-32,868,947 gives the same sequence; the c. name uses the placement nearest the transcript's 3' end. VCF-style (leftmost placement, unchanged base first): chr12-32868944-ATT-A. GRCh37 (hg19) VCF-style: chr12-33021878-ATT-A.
Other names: c.1151_1152del, p.Lys384fs (NM_001407155.1, NM_001407156.1, NM_001407157.1 and 2 more transcripts); c.824_825del, p.Lys275fs (NM_001407158.1, NM_001407159.1, NM_001407160.1 and 1 more transcripts); short protein forms K384fs, K275fs.
Identifiers: ClinVar variation 5007631 (VCV005007631.2).

ClinVar aggregate classification (germline): Likely pathogenic (1 of 4 stars; one submission).

Conditions:
Arrhythmogenic right ventricular dysplasia 9 (ARVD9). Also called: Arrhythmogenic Right Ventricular Dysplasia/Cardiomyopathy 9; ARRHYTHMOGENIC RIGHT VENTRICULAR DYSPLASIA, FAMILIAL, 9. Identifiers: MedGen C1836906, MONDO:0012180, OMIM 609040.

Submission:

Juno Genomics, Hangzhou Juno Genomics, Inc
Classification: Likely pathogenic for Arrhythmogenic right ventricular dysplasia 9. Review status: criteria provided, single submitter. Criteria: ACMG Guidelines, 2015. Collection method: clinical testing. Allele origin: germline.
Comment: Absent from controls (or at extremely low frequency if recessive) in Genome Aggregation Database.;Null variant in a gene where loss of function (LOF) is a known mechanism of disease.